The following is an entry in ClinVar:

ClinVar aggregate classification (germline): Uncertain significance (1 of 4 stars; one submission).

Submission:

Labcorp Genetics (formerly Invitae), Labcorp
Classification: Uncertain significance. Last evaluated: 2019-10-30. Review status: criteria provided, single submitter. Criteria: Invitae Variant Classification Sherloc (09022015). Collection method: clinical testing. Allele origin: germline.
Comment: This sequence change replaces leucine with valine at codon 110 of the ARL3 protein (p.Leu110Val). The leucine residue is highly conserved and there is a small physicochemical difference between leucine and valine. In summary, the available evidence is currently insufficient to determine the role of this variant in disease. Therefore, it has been classified as a Variant of Uncertain Significance. Algorithms developed to predict the effect of missense changes on protein structure and function are either unavailable or do not agree on the potential impact of this missense change (SIFT: "Deleterious"; PolyPhen-2: "Probably Damaging"; Align-GVGD: "Class C0"). This variant has not been reported in the literature in individuals with ARL3-related conditions. This variant is not present in population databases (ExAC no frequency).

NM_004311.4(ARL3):c.328T>G (p.Leu110Val)

Gene: ARL3 (ARF like GTPase 3; minus strand). Cytogenetic location: 10q24.32.
Variant type: single nucleotide variant.
Coding change: c.328T>G on transcript NM_004311.4 (MANE Select); coding-DNA position 328, T replaced by G.
Protein change: p.Leu110Val; replaces leucine 110 with valine.
Molecular consequence: missense variant.
Genome position (GRCh38, 1-based): chr10:102,685,989, A>C on the plus strand (T>G on the coding strand, the complement: ARL3 is on the minus strand). VCF-style: chr10-102685989-A-C. GRCh37 (hg19) VCF-style: chr10-104445746-A-C.
Other names: short protein forms L110V.
Identifiers: ClinVar variation 967695 (VCV000967695.9), dbSNP rs2064182374, ClinGen allele CA377920801.